The following is an entry in ClinVar:

NM_022455.5(NSD1):c.97G>A (p.Gly33Ser)

Gene: NSD1 (nuclear receptor binding SET domain protein 1; plus strand). Cytogenetic location: 5q35.3.
Variant type: single nucleotide variant.
Coding change: c.97G>A on transcript NM_022455.5 (MANE Select); coding-DNA position 97, G replaced by A.
Protein change: p.Gly33Ser; replaces glycine 33 with serine.
Molecular consequence: missense variant. On other transcripts: 5 prime UTR variant (7).
Genome position (GRCh38, 1-based): chr5:177,135,200, G>A. VCF-style: chr5-177135200-G-A. GRCh37 (hg19) VCF-style: chr5-176562201-G-A.
Other names: c.-37G>A (NM_001365684.2, NM_001409305.1, NM_001409306.1 and 4 more transcripts); c.97G>A, p.Gly33Ser (NM_001409301.1, NM_001409302.1, NM_001409303.1 and 1 more transcripts); short protein forms G33S.
Identifiers: ClinVar variation 1972597 (VCV001972597.5), dbSNP rs923849995, ClinGen allele CA132834073.
Genomic context (GRCh38, chr5:177,135,200, plus strand): 5'-CTGCTGCCCTTTTCCAATCCAGTGAATTTAGATGCCCCTGAAGACAAGGACAGCCCTTTC[G>A]GTAATGGTCAATCCAATTTTTCTGAGCCACTTAATGGGTGTACTATGCAGTTATCGACTG-3'
Protein context (NP_071900.2, residues 23-43): DAPEDKDSPF[Gly33Ser]NGQSNFSEPL

ClinVar aggregate classification (germline): Uncertain significance (1 of 4 stars; one submission).

Submission:

Labcorp Genetics (formerly Invitae), Labcorp
Classification: Uncertain significance. Last evaluated: 2024-01-09. Review status: criteria provided, single submitter. Criteria: Invitae Variant Classification Sherloc (09022015). Collection method: clinical testing. Allele origin: germline.
Comment: This sequence change replaces glycine, which is neutral and non-polar, with serine, which is neutral and polar, at codon 33 of the NSD1 protein (p.Gly33Ser). This variant is not present in population databases (gnomAD no frequency). This variant has not been reported in the literature in individuals affected with NSD1-related conditions. ClinVar contains an entry for this variant (Variation ID: 1972597). Advanced modeling of protein sequence and biophysical properties (such as structural, functional, and spatial information, amino acid conservation, physicochemical variation, residue mobility, and thermodynamic stability) performed at Invitae indicates that this missense variant is not expected to disrupt NSD1 protein function with a negative predictive value of 95%. In summary, the available evidence is currently insufficient to determine the role of this variant in disease. Therefore, it has been classified as a Variant of Uncertain Significance.